The following is an entry in ClinVar:

NM_003896.4(ST3GAL5):c.581G>A (p.Arg194His)

Gene: ST3GAL5 (ST3 beta-galactoside alpha-2,3-sialyltransferase 5; minus strand). Cytogenetic location: 2p11.2.
Variant type: single nucleotide variant.
Coding change: c.581G>A on transcript NM_003896.4 (MANE Select); coding-DNA position 581, G replaced by A.
Protein change: p.Arg194His; replaces arginine 194 with histidine.
Molecular consequence: missense variant. On other transcripts: 5 prime UTR variant (1).
Genome position (GRCh38, 1-based): chr2:85,847,942, C>T on the plus strand (G>A on the coding strand, the complement: ST3GAL5 is on the minus strand). VCF-style: chr2-85847942-C-T. GRCh37 (hg19) VCF-style: chr2-86075065-C-T.
Other names: c.512G>A, p.Arg171His (NM_001042437.2); c.197G>A, p.Arg66His (NM_001354223.2, NM_001354224.2, NM_001354226.2 and 3 more transcripts); c.497G>A, p.Arg166His (NM_001354227.2, NM_001354229.2, NM_001354238.1); c.-324G>A (NM_001354247.1); c.581G>A, p.Arg194His (NM_001363847.1); short protein forms R166H, R171H, R194H, R66H.
Identifiers: ClinVar variation 835997 (VCV000835997.40), dbSNP rs535561837, ClinGen allele CA1745018.
Genomic context (GRCh38, chr2:85,847,942, plus strand): 5'-TTCAGGGTGTGGCCCAGTTCTAATCCGTGCAGTATTCCTCCGCTTCCAATAACCACACAG[C>T]GCCGACAGGTCTTGGCTTTCAAGTGTTCAGGGAGGTCGTGCTCTGGCAAGAGTTCCAAGA-3'
Protein context (NP_003887.3, residues 184-204): PEHLKAKTCR[Arg194His]CVVIGSGGIL

ClinVar aggregate classification (germline): Uncertain significance. Review status: criteria provided, multiple submitters, no conflicts (2 of 4 stars). 2 submissions from 2 submitters: Uncertain significance (2). Last evaluated 2022-01-14.

Conditions:
GM3 synthase deficiency (SPDRS). Also called: SALT AND PEPPER MENTAL RETARDATION SYNDROME; SALT AND PEPPER DEVELOPMENTAL REGRESSION SYNDROME; AMISH INFANTILE EPILEPSY SYNDROME. Identifiers: Orphanet 171714, Orphanet 370933, MedGen C1836824, MONDO:0018274, OMIM 609056.

Allele frequency attached by ClinVar (database versions not stated): TOPMed below 0.00001; gnomAD 0.00001; ExAC 0.00002; gnomAD exomes 0.00002 and 0.00003.
gnomAD v4.1: 37 of 1,614,062 alleles (0.0023%); highest among the groups gnomAD compares: East Asian, 0.02%; no homozygotes.

Submissions (2):

Labcorp Genetics (formerly Invitae), Labcorp
Classification: Uncertain significance for GM3 synthase deficiency. Last evaluated: 2022-01-14. Review status: criteria provided, single submitter. Criteria: Invitae Variant Classification Sherloc (09022015). Collection method: clinical testing. Allele origin: germline.
Comment: This sequence change replaces arginine, which is basic and polar, with histidine, which is basic and polar, at codon 194 of the ST3GAL5 protein (p.Arg194His). This variant is present in population databases (rs535561837, gnomAD 0.01%). This variant has not been reported in the literature in individuals affected with ST3GAL5-related conditions. ClinVar contains an entry for this variant (Variation ID: 835997). Algorithms developed to predict the effect of missense changes on protein structure and function output the following: SIFT: "Tolerated"; PolyPhen-2: "Benign"; Align-GVGD: "Class C0". The histidine amino acid residue is found in multiple mammalian species, which suggests that this missense change does not adversely affect protein function. In summary, the available evidence is currently insufficient to determine the role of this variant in disease. Therefore, it has been classified as a Variant of Uncertain Significance.

CeGaT Center for Human Genetics Tuebingen
Classification: Uncertain significance. Last evaluated: 2021-11-01. Review status: criteria provided, single submitter. Criteria: CeGaT Center For Human Genetics Tuebingen Variant Classification Criteria Version 2. Collection method: clinical testing. Allele origin: germline. Affected: yes. Observed: 1 variant allele.